The following is an entry in ClinVar:

NM_001384474.1(LOXHD1):c.4887C>A (p.Tyr1629Ter)

Gene: LOXHD1 (lipoxygenase homology PLAT domains 1; minus strand). Cytogenetic location: 18q21.1.
Variant type: single nucleotide variant.
Coding change: c.4887C>A on transcript NM_001384474.1 (MANE Select); coding-DNA position 4887, C replaced by A.
Protein change: p.Tyr1629Ter; replaces tyrosine 1629 with a stop codon.
Molecular consequence: nonsense.
Genome position (GRCh38, 1-based): chr18:46,522,299, G>T on the plus strand (C>A on the coding strand, the complement: LOXHD1 is on the minus strand). VCF-style: chr18-46522299-G-T. GRCh37 (hg19) VCF-style: chr18-44102262-G-T.
Other names: c.1554C>A, p.Tyr518Ter (NM_001145472.3); c.1266C>A, p.Tyr422Ter (NM_001308013.2); c.4887C>A, p.Tyr1629Ter (NM_144612.7); short protein forms Y1629*, Y422*, Y518*.
Identifiers: ClinVar variation 1071600 (VCV001071600.7), dbSNP rs2144138527, ClinGen allele CA402372143.

ClinVar aggregate classification (germline): Pathogenic (1 of 4 stars; one submission).

Allele frequency attached by ClinVar (database versions not stated): gnomAD exomes below 0.00001.
gnomAD v4.1: 1 of 1,551,770 alleles (0.000064%); highest among the groups gnomAD compares: East Asian, 0.0024%; no homozygotes.

Submission:

Labcorp Genetics (formerly Invitae), Labcorp
Classification: Pathogenic. Last evaluated: 2020-01-14. Review status: criteria provided, single submitter. Criteria: Invitae Variant Classification Sherloc (09022015). Collection method: clinical testing. Allele origin: germline.
Comment: This sequence change creates a premature translational stop signal (p.Tyr1629*) in the LOXHD1 gene. It is expected to result in an absent or disrupted protein product. This variant is not present in population databases (ExAC no frequency). This variant has not been reported in the literature in individuals with LOXHD1-related conditions. Loss-of-function variants in LOXHD1 are known to be pathogenic (PMID: 19732867, 21465660, 25792669). For these reasons, this variant has been classified as Pathogenic.

Literature cited by the submitters: PubMed 19732867; PubMed 21465660; PubMed 25792669.